The following is an entry in ClinVar:

ClinVar aggregate classification (germline): Uncertain significance (1 of 4 stars; one submission).

gnomAD v4.1: 2 of 1,594,302 alleles (0.00013%); highest among the groups gnomAD compares: African/African-American, 0.0027%; no homozygotes.

Submission:

Labcorp Genetics (formerly Invitae), Labcorp
Classification: Uncertain significance. Last evaluated: 2022-05-21. Review status: criteria provided, single submitter. Criteria: Invitae Variant Classification Sherloc (09022015). Collection method: clinical testing. Allele origin: germline.
Comment: In summary, the available evidence is currently insufficient to determine the role of this variant in disease. Therefore, it has been classified as a Variant of Uncertain Significance. This sequence change replaces methionine, which is neutral and non-polar, with arginine, which is basic and polar, at codon 237 of the IFT88 protein (p.Met237Arg). This variant is not present in population databases (gnomAD no frequency). This variant has not been reported in the literature in individuals affected with IFT88-related conditions. Algorithms developed to predict the effect of missense changes on protein structure and function are either unavailable or do not agree on the potential impact of this missense change (SIFT: "Not Available"; PolyPhen-2: "Benign"; Align-GVGD: "Not Available").

NM_006531.5(IFT88):c.683T>G (p.Met228Arg)

Gene: IFT88 (intraflagellar transport 88; plus strand). Cytogenetic location: 13q12.11.
Variant type: single nucleotide variant.
Coding change: c.683T>G on transcript NM_006531.5 (MANE Select); coding-DNA position 683, T replaced by G.
Protein change: p.Met228Arg; replaces methionine 228 with arginine.
Molecular consequence: missense variant. On other transcripts: non-coding transcript variant (5).
Genome position (GRCh38, 1-based): chr13:20,598,739, T>G. VCF-style: chr13-20598739-T-G. GRCh37 (hg19) VCF-style: chr13-21172878-T-G.
Other names: c.626T>G, p.Met209Arg (NM_001318491.2, NM_001353573.2, NM_001353574.2 and 1 more transcripts); c.710T>G, p.Met237Arg (NM_001318493.2, NM_001353565.2, NM_001353566.2 and 6 more transcripts); c.683T>G, p.Met228Arg (NM_001353568.2, NM_001353571.2, NM_001353572.2 and 1 more transcripts); c.50T>G, p.Met17Arg (NM_001353579.2); short protein forms M17R, M209R, M228R, M237R.
Identifiers: ClinVar variation 2108659 (VCV002108659.4), dbSNP rs149818223, ClinGen allele CA387473122.